The following is an entry in ClinVar:

ClinVar aggregate classification (germline): Pathogenic. Review status: criteria provided, multiple submitters, no conflicts (2 of 4 stars). 3 submissions from 3 submitters: Pathogenic (3). Last evaluated 2025-09-18.

Conditions:
Marfan syndrome (MFS). Also called: Marfan syndrome type 1; Marfan's syndrome; MARFAN SYNDROME, TYPE I; Marfan syndrome, classic; FBN1-Related Marfan Syndrome. Identifiers: Orphanet 284963, Orphanet 558, MedGen C0024796, MONDO:0007947, OMIM 154700.
Familial thoracic aortic aneurysm and aortic dissection (TAAD). Also called: Thoracic aortic aneurysms and dissections. Identifiers: Orphanet 91387, MedGen C4707243, MONDO:0019625.

Submissions (3):

Ambry Genetics
Classification: Pathogenic for Familial thoracic aortic aneurysm and aortic dissection. Last evaluated: 2025-09-18. Review status: criteria provided, single submitter. Criteria: Ambry Variant Classification Scheme 2023. Collection method: clinical testing. Allele origin: germline.
Comment: The c.5593_5594dupTG pathogenic mutation, located in coding exon 45 of the FBN1 gene, results from a duplication of TG at nucleotide position 5593, causing a translational frameshift with a predicted alternate stop codon (p.I1866Afs*28). This variant is considered to be rare based on population cohorts in the Genome Aggregation Database (gnomAD). This alteration is expected to result in loss of function by premature protein truncation or nonsense-mediated mRNA decay. As such, this alteration is interpreted as a disease-causing mutation.

Labcorp Genetics (formerly Invitae), Labcorp
Classification: Pathogenic for Marfan syndrome; Familial thoracic aortic aneurysm and aortic dissection. Last evaluated: 2018-12-17. Review status: criteria provided, single submitter. Criteria: Invitae Variant Classification Sherloc (09022015). Collection method: clinical testing. Allele origin: germline.
Comment: This variant is not present in population databases (ExAC no frequency). This sequence change creates a premature translational stop signal (p.Ile1866Alafs*28) in the FBN1 gene. It is expected to result in an absent or disrupted protein product. This variant has not been reported in the literature in individuals with FBN1-related conditions. Loss-of-function variants in FBN1 are known to be pathogenic (PMID: 17657824, 19293843). For these reasons, this variant has been classified as Pathogenic.

Eurofins Ntd Llc (ga)
Classification: Pathogenic. Last evaluated: 2016-04-21. Review status: criteria provided, single submitter. Criteria: EGL Classification Definitions. Collection method: clinical testing. Allele origin: germline. Observed: 1 variant allele, 1 heterozygote.

Literature cited by the submitters: PubMed 17657824 (cited by Labcorp Genetics (formerly Invitae), Labcorp); PubMed 19293843 (cited by Labcorp Genetics (formerly Invitae), Labcorp).

NM_000138.5(FBN1):c.5593_5594dup (p.Ile1866fs)

Gene: FBN1 (fibrillin 1; minus strand). Cytogenetic location: 15q21.1.
Variant type: Duplication.
Coding change: c.5593_5594dup on transcript NM_000138.5 (MANE Select); coding-DNA positions 5593 to 5594, 2 bases duplicated (TG; older notation c.5593_5594dupTG).
Protein change: p.Ile1866fs; shifts the reading frame from isoleucine 1866.
Molecular consequence: frameshift variant.
Genome position (GRCh38, 1-based): chr15:48,448,845-48,448,846, CA duplicated on the plus strand (TG on the coding strand, the reverse complement: FBN1 is on the minus strand); duplicating any 2 consecutive bases within chr15:48,448,845-48,448,847 gives the same sequence; the c. name uses the placement nearest the transcript's 3' end. VCF-style (leftmost placement, unchanged base first): chr15-48448844-G-GCA. GRCh37 (hg19) VCF-style: chr15-48741041-G-GCA.
Other names: c.5593_5594dupTG (NM_000138.4); c.5593_5594dup, p.Ile1866fs (NM_001406716.1); short protein forms I1866fs.
Identifiers: ClinVar variation 287723 (VCV000287723.12), dbSNP rs886043709, ClinGen allele CA10605850.
Genomic context (GRCh38, chr15:48,448,844, plus strand): 5'-GTCATCATTTGTTTTAAAACCAGTGTGGCAAAGGCAATAAAAGCTTCCAACTGTGTCAAT[G>GCA]CACTGCCCATGACTGCATATATTGGGGATTTCTTGACATTCATTACGATCTGTAAATAAG-3'